The following is an entry in ClinVar:

ClinVar aggregate classification (germline): Conflicting classifications of pathogenicity. Review status: criteria provided, conflicting classifications (1 of 4 stars). 6 submissions from 6 submitters: Uncertain significance (1); Benign (1); Likely benign (4). Last evaluated 2026-01-09.

Conditions:
Oligodontia-cancer predisposition syndrome. Also called: TOOTH AGENESIS-COLORECTAL CANCER SYNDROME. Identifiers: Orphanet 300576, MedGen C1837750, MONDO:0012075, OMIM 608615. Disease mechanism: loss of function.
Hereditary cancer-predisposing syndrome. Also called: Hereditary Cancer Syndrome; Neoplastic Syndromes, Hereditary; Tumor predisposition; Hereditary neoplastic syndrome. Identifiers: Orphanet 140162, MedGen C0027672, MeSH D009386, MONDO:0015356.
AXIN2-related disorder.

Allele frequency attached by ClinVar (database versions not stated): gnomAD exomes 0.00001 and 0.00002; gnomAD 0.00002 and 0.00003; TOPMed 0.00003.

Submissions (6):

Labcorp Genetics (formerly Invitae), Labcorp
Classification: Likely benign for Oligodontia-cancer predisposition syndrome. Last evaluated: 2026-01-09. Review status: criteria provided, single submitter. Criteria: Invitae Variant Classification Sherloc (09022015). Collection method: clinical testing. Allele origin: germline.

PreventionGenetics, part of Exact Sciences
Classification: Likely benign for AXIN2-related condition. Last evaluated: 2025-10-06. Review status: criteria provided, single submitter. Criteria: ACMG Guidelines, 2015. Collection method: clinical testing. Allele origin: germline.
Comment: This variant is classified as likely benign based on ACMG/AMP sequence variant interpretation guidelines (Richards et al. 2015 PMID: 25741868, with internal and published modifications).

Myriad Genetics, Inc.
Classification: Benign for Oligodontia-cancer predisposition syndrome. Last evaluated: 2024-06-28. Review status: criteria provided, single submitter. Criteria: Myriad Autosomal Dominant, Autosomal Recessive and X-Linked Classification Criteria (2023). Collection method: clinical testing. Allele origin: unknown.
Comment: This variant is considered benign. This variant is a silent/synonymous amino acid change and it is not expected to impact splicing.

Ambry Genetics
Classification: Likely benign for Hereditary cancer-predisposing syndrome. Last evaluated: 2019-10-17. Review status: criteria provided, single submitter. Criteria: Ambry Variant Classification Scheme 2023. Collection method: clinical testing. Allele origin: germline.

Illumina Laboratory Services, Illumina
Classification: Uncertain significance for Oligodontia-cancer predisposition syndrome. Last evaluated: 2018-01-12. Review status: criteria provided, single submitter. Criteria: ICSL Variant Classification Criteria 13 December 2019. Collection method: clinical testing. Allele origin: germline.

GeneDx
Classification: Likely benign. Last evaluated: 2016-06-07. Review status: criteria provided, single submitter. Criteria: GeneDx Variant Classification (06012015). Collection method: clinical testing. Allele origin: germline. Affected: yes.
Comment: This variant is considered likely benign or benign based on one or more of the following criteria: it is a conservative change, it occurs at a poorly conserved position in the protein, it is predicted to be benign by multiple in silico algorithms, and/or has population frequency not consistent with disease.

NM_004655.4(AXIN2):c.897C>T (p.Asp299=)

Gene: AXIN2 (axin 2; minus strand). Cytogenetic location: 17q24.1.
Variant type: single nucleotide variant.
Coding change: c.897C>T on transcript NM_004655.4 (MANE Select); coding-DNA position 897, C replaced by T.
Protein change: p.Asp299=; no amino-acid change (aspartic acid 299 retained).
Molecular consequence: synonymous variant.
Genome position (GRCh38, 1-based): chr17:65,549,579, G>A on the plus strand (C>T on the coding strand, the complement: AXIN2 is on the minus strand). VCF-style: chr17-65549579-G-A. GRCh37 (hg19) VCF-style: chr17-63545697-G-A.
Other names: c.897C>T (LRG_296t1); c.897C>T, p.Asp299= (NM_001363813.1).
Identifiers: ClinVar variation 324651 (VCV000324651.22), dbSNP rs748143308, ClinGen allele CA10650738.